The following is an entry in ClinVar:

NM_006158.5(NEFL):c.86T>C (p.Val29Ala)

Gene: NEFL (neurofilament light chain; minus strand). Cytogenetic location: 8p21.2.
Variant type: single nucleotide variant.
Coding change: c.86T>C on transcript NM_006158.5 (MANE Select); coding-DNA position 86, T replaced by C.
Protein change: p.Val29Ala; replaces valine 29 with alanine.
Molecular consequence: missense variant.
Genome position (GRCh38, 1-based): chr8:24,956,430, A>G on the plus strand (T>C on the coding strand, the complement: NEFL is on the minus strand). VCF-style: chr8-24956430-A-G. GRCh37 (hg19) VCF-style: chr8-24813944-A-G.
Other names: short protein forms V29A.
Identifiers: ClinVar variation 916906 (VCV000916906.10), dbSNP rs372748927, ClinGen allele CA4681554.

ClinVar aggregate classification (germline): Conflicting classifications of pathogenicity. Review status: criteria provided, conflicting classifications (1 of 4 stars). 4 submissions from 4 submitters: Uncertain significance (2); Likely benign (1). 1 of the submissions does not count toward it. Last evaluated 2022-01-26.

Conditions:
Charcot-Marie-Tooth disease. Also called: Charcot-Marie-Tooth Hereditary Neuropathy; Charcot-Marie-Tooth Neuropathy. Identifiers: Orphanet 166, MedGen C0007959, MONDO:0015626.
NEFL-related disorder. Also called: NEFL-related condition.
Inborn genetic diseases. Identifiers: MedGen C0950123, MeSH D030342.
Charcot-Marie-Tooth disease type 2E (CMT2E). Also called: CHARCOT-MARIE-TOOTH DISEASE, AXONAL, TYPE 2E; CHARCOT-MARIE-TOOTH NEUROPATHY, TYPE 2E. Identifiers: Orphanet 99939, MedGen C1843225, MONDO:0011894, OMIM 607684.

Allele frequency attached by ClinVar (database versions not stated): gnomAD below 0.00001 and 0.00005; TOPMed below 0.00001; gnomAD exomes 0.00016; ExAC 0.00040; 1000 Genomes Project 0.00060; 1000 Genomes Project 30x 0.00078.

Submissions (4):

Labcorp Genetics (formerly Invitae), Labcorp
Classification: Uncertain significance for Charcot-Marie-Tooth disease type 2E. Last evaluated: 2022-01-26. Review status: criteria provided, single submitter. Criteria: Invitae Variant Classification Sherloc (09022015). Collection method: clinical testing. Allele origin: germline.
Comment: In summary, the available evidence is currently insufficient to determine the role of this variant in disease. Therefore, it has been classified as a Variant of Uncertain Significance. Experimental studies and prediction algorithms are not available or were not evaluated, and the functional significance of this variant is currently unknown. ClinVar contains an entry for this variant (Variation ID: 916906). This variant has not been reported in the literature in individuals affected with NEFL-related conditions. This variant is present in population databases (rs372748927, gnomAD 0.1%). This sequence change replaces valine, which is neutral and non-polar, with alanine, which is neutral and non-polar, at codon 29 of the NEFL protein (p.Val29Ala).

Ambry Genetics
Classification: Uncertain significance for Inborn genetic diseases. Last evaluated: 2021-03-18. Review status: criteria provided, single submitter. Criteria: Ambry Variant Classification Scheme 2023. Collection method: clinical testing. Allele origin: germline.
Comment: The p.V29A variant (also known as c.86T>C), located in coding exon 1 of the NEFL gene, results from a T to C substitution at nucleotide position 86. The valine at codon 29 is replaced by alanine, an amino acid with similar properties. This amino acid position is not well conserved in available vertebrate species, and alanine is the reference amino acid in other vertebrate species. In addition, the in silico prediction for this alteration is inconclusive. Based on the supporting evidence, this variant is unlikely to be causative of autosomal dominant Charcot-Marie-Tooth (CMT) disease, type 1F/2E; however, its contribution to the development of autosomal recessive CMT disease, type 1F/2E is uncertain.

Molecular Genetics Laboratory, London Health Sciences Centre
Classification: Likely benign for Charcot-Marie-Tooth disease. Review status: criteria provided, single submitter. Criteria: ACMG Guidelines, 2015. Collection method: clinical testing. Allele origin: germline. Affected: yes.

PreventionGenetics, part of Exact Sciences
Classification: Likely benign for NEFL-related condition. Last evaluated: 2021-03-09. Review status: no assertion criteria provided. Collection method: clinical testing. Allele origin: germline. Not counted in ClinVar's aggregate classification.
Comment: This variant is classified as likely benign based on ACMG/AMP sequence variant interpretation guidelines (Richards et al. 2015 PMID: 25741868, with internal and published modifications).